The following is an entry in ClinVar:

ClinVar aggregate classification (germline): Benign. Review status: criteria provided, multiple submitters, no conflicts (2 of 4 stars). 7 submissions from 7 submitters: Benign (6). 1 of the submissions does not count toward it. Last evaluated 2026-04-08.

Conditions:
Glucose-6-phosphate transport defect (GSD1B). Also called: Glycogen Storage Disease Type Ib; GSD Ib. Identifiers: Orphanet 364, Orphanet 79259, MedGen C0268146, MONDO:0009288, OMIM 232220.

Allele frequency attached by ClinVar (database versions not stated): gnomAD exomes 0.00399; ExAC 0.00548; gnomAD 0.01583 and 0.01714; 1000 Genomes Project 30x 0.01624; 1000 Genomes Project 0.01637; ESP Exome Variant Server 0.01761; TOPMed 0.01783.

Submissions (7):

Women's Health and Genetics/Laboratory Corporation of America, LabCorp
Classification: Benign. Last evaluated: 2026-04-08. Review status: criteria provided, single submitter. Criteria: LabCorp Variant Classification Summary - May 2015. Collection method: clinical testing. Allele origin: germline.
Comment: Variant summary: SLC37A4 c.1278G>A results in a synonymous change. Consensus agreement among computation tools predict no significant impact on normal splicing. However, these predictions have yet to be confirmed by functional studies. The variant allele was found at a frequency of 0.004 in 248538 control chromosomes, predominantly at a frequency of 0.058 within the African or African-American subpopulation in the gnomAD database, including 37 homozygotes. The observed variant frequency within African or African-American control individuals in the gnomAD database exceeds the estimated maximal expected allele frequency for disease-causing variants in SLC37A4. To our knowledge, no occurrence of c.1278G>A in individuals affected with SLC37A4-related conditions and no experimental evidence demonstrating its impact on protein function have been reported. ClinVar contains an entry for this variant (Variation ID: 139194). Based on the evidence outlined above, the variant was classified as benign.

Labcorp Genetics (formerly Invitae), Labcorp
Classification: Benign for Glucose-6-phosphate transport defect. Last evaluated: 2026-02-02. Review status: criteria provided, single submitter. Criteria: Invitae Variant Classification Sherloc (09022015). Collection method: clinical testing. Allele origin: germline.

Mayo Clinic Laboratories, Mayo Clinic
Classification: Benign. Last evaluated: 2018-11-14. Review status: criteria provided, single submitter. Criteria: ACMG Guidelines, 2015. Collection method: clinical testing. Allele origin: germline. Observed: 37 variant alleles.

GeneDx
Classification: Benign. Last evaluated: 2014-04-23. Review status: criteria provided, single submitter. Criteria: GeneDx Variant Classification (06012015). Collection method: clinical testing. Allele origin: germline. Affected: yes.
Comment: This variant is considered likely benign or benign based on one or more of the following criteria: it is a conservative change, it occurs at a poorly conserved position in the protein, it is predicted to be benign by multiple in silico algorithms, and/or has population frequency not consistent with disease.

Breakthrough Genomics
Classification: Benign. Review status: criteria provided, single submitter. Criteria: ACMG Guidelines, 2015. Collection method: not provided. Allele origin: germline. Inheritance: Autosomal recessive inheritance. Affected: yes.

PreventionGenetics, part of Exact Sciences
Classification: Benign. Review status: criteria provided, single submitter. Criteria: ACMG Guidelines, 2015. Collection method: clinical testing. Allele origin: germline.

Natera, Inc.
Classification: Benign for Glycogen storage disease type Ib. Last evaluated: 2020-09-16. Review status: no assertion criteria provided. Collection method: clinical testing. Allele origin: germline. Not counted in ClinVar's aggregate classification.

NM_001164277.2(SLC37A4):c.1278G>A (p.Lys426=)

Gene: SLC37A4 (solute carrier family 37 member 4; minus strand). Cytogenetic location: 11q23.3.
Variant type: single nucleotide variant.
Coding change: c.1278G>A on transcript NM_001164277.2 (MANE Select); coding-DNA position 1278, G replaced by A.
Protein change: p.Lys426=; no amino-acid change (lysine 426 retained).
Molecular consequence: synonymous variant.
Genome position (GRCh38, 1-based): chr11:119,024,922, C>T on the plus strand (G>A on the coding strand, the complement: SLC37A4 is on the minus strand). VCF-style: chr11-119024922-C-T. GRCh37 (hg19) VCF-style: chr11-118895632-C-T.
Other names: p.K426K:AAG>AAA; p.Lys426=; c.1344G>A, p.Lys448= (NM_001164278.2); c.1059G>A, p.Lys353= (NM_001164279.2); c.1278G>A, p.Lys426= (NM_001164280.2, NM_001467.6).
Identifiers: ClinVar variation 139194 (VCV000139194.16), dbSNP rs34871377, ClinGen allele CA293587.
Genomic context (GRCh38, chr11:119,024,922, plus strand): 5'-GCAGGGGGAAGGCCACCGTGGGATGGTGCTCCGGAACCTGGACTCTCTTCACTCAGCCTT[C>T]TTGGACACTCGGCCCATCTTGGTGCGGATGTTTCGTAGGAGGAAGAAGGCAGCCGTGCTG-3'
Protein context (NP_001157749.1, residues 416-429): NIRTKMGRVS[Lys426=]KAE